The following is an entry in ClinVar:

ClinVar aggregate classification (germline): Pathogenic/Likely pathogenic. Review status: criteria provided, multiple submitters, no conflicts (2 of 4 stars). 4 submissions from 4 submitters: Pathogenic (3); Likely pathogenic (1). Last evaluated 2025-08-30.

Conditions:
Familial cancer of breast. Also called: BREAST CANCER, FAMILIAL; Hereditary breast cancer; hereditary breast carcinoma. Identifiers: Orphanet 227535, MedGen C0346153, MONDO:0016419, OMIM 114480. Disease mechanism: loss of function.
Malignant tumor of breast. Also called: Malignant breast neoplasm; Cancer breast. Identifiers: MedGen C0006142, MONDO:0007254. Disease mechanism: loss of function.
Hereditary cancer-predisposing syndrome. Also called: Neoplastic Syndromes, Hereditary; Hereditary Cancer Syndrome; Hereditary neoplastic syndrome; Tumor predisposition. Identifiers: Orphanet 140162, MedGen C0027672, MeSH D009386, MONDO:0015356.

Submissions (4):

Labcorp Genetics (formerly Invitae), Labcorp
Classification: Pathogenic for Familial cancer of breast. Last evaluated: 2025-08-30. Review status: criteria provided, single submitter. Criteria: Invitae Variant Classification Sherloc (09022015). Collection method: clinical testing. Allele origin: germline.
Comment: This sequence change creates a premature translational stop signal (p.Pro522Glnfs*39) in the PALB2 gene. It is expected to result in an absent or disrupted protein product. Loss-of-function variants in PALB2 are known to be pathogenic (PMID: 17200668, 17200671, 17200672, 24136930, 25099575). This variant is not present in population databases (gnomAD no frequency). This variant has not been reported in the literature in individuals affected with PALB2-related conditions. ClinVar contains an entry for this variant (Variation ID: 460901). For these reasons, this variant has been classified as Pathogenic.

Myriad Genetics, Inc.
Classification: Pathogenic for Familial cancer of breast. Last evaluated: 2023-09-11. Review status: criteria provided, single submitter. Criteria: Myriad Autosomal Dominant, Autosomal Recessive and X-Linked Classification Criteria (2023). Collection method: clinical testing. Allele origin: unknown.
Comment: This variant is considered pathogenic. This variant creates a frameshift predicted to result in premature protein truncation.

Ambry Genetics
Classification: Pathogenic for Hereditary cancer-predisposing syndrome. Last evaluated: 2023-08-02. Review status: criteria provided, single submitter. Criteria: Ambry Variant Classification Scheme 2023. Collection method: clinical testing. Allele origin: germline.
Comment: The c.1565delC variant, located in coding exon 4 of the PALB2 gene, results from a deletion of one nucleotide at nucleotide position 1565, causing a translational frameshift with a predicted alternate stop codon (p.P522Qfs*39). This alteration was detected in 1/16501 Chinese breast cancer patients and 0/5890 female controls (Zhou J et al. Cancer, 2020 Jul;126:3202-3208). This variant is considered to be rare based on population cohorts in the Genome Aggregation Database (gnomAD). In addition to the clinical data presented in the literature, this alteration is expected to result in loss of function by premature protein truncation or nonsense-mediated mRNA decay. As such, this alteration is interpreted as a disease-causing mutation.

Women's Health and Genetics/Laboratory Corporation of America, LabCorp
Classification: Likely pathogenic for Malignant tumor of breast. Last evaluated: 2022-04-26. Review status: criteria provided, single submitter. Criteria: LabCorp Variant Classification Summary - May 2015. Collection method: clinical testing. Allele origin: germline.
Comment: Variant summary: PALB2 c.1565delC (p.Pro522GlnfsX39) results in a premature termination codon, predicted to cause a truncation of the encoded protein or absence of the protein due to nonsense mediated decay, which are commonly known mechanisms for disease. Truncations downstream of this position have been classified as pathogenic by our laboratory. The variant was absent in 251488 control chromosomes. c.1565delC has been reported in the literature in at least one individual affected with Breast Cancer (Zhou_2020). To our knowledge, no experimental evidence demonstrating an impact on protein function has been reported. One clinical diagnostic laboratory has submitted clinical-significance assessments for this variant to ClinVar after 2014 without evidence for independent evaluation. One laboratory classified the variant as pathogenic. Based on the evidence outlined above, the variant was classified as likely pathogenic.

Literature cited by the submitters: PubMed 17200668 (cited by Labcorp Genetics (formerly Invitae), Labcorp); PubMed 17200671 (cited by Labcorp Genetics (formerly Invitae), Labcorp); PubMed 17200672 (cited by Labcorp Genetics (formerly Invitae), Labcorp); PubMed 24136930 (cited by Labcorp Genetics (formerly Invitae), Labcorp); PubMed 25099575 (cited by Labcorp Genetics (formerly Invitae), Labcorp); PubMed 32339256 (cited by Ambry Genetics and Women's Health and Genetics/Laboratory Corporation of America, LabCorp).

NM_024675.4(PALB2):c.1565del (p.Pro522fs)

Gene: PALB2 (partner and localizer of BRCA2; minus strand). Cytogenetic location: 16p12.2.
Variant type: Deletion.
Coding change: c.1565del on transcript NM_024675.4 (MANE Select); coding-DNA position 1565, one base deleted (C; older notation c.1565delC).
Protein change: p.Pro522fs; shifts the reading frame from proline 522.
Molecular consequence: frameshift variant.
Genome position (GRCh38, 1-based): chr16:23,634,981, G deleted on the plus strand (C on the coding strand, the reverse complement: PALB2 is on the minus strand); the first of 4 consecutive G bases (chr16:23,634,981-23,634,984); deleting any one gives the same sequence. VCF-style (leftmost placement, unchanged base first): chr16-23634980-TG-T. GRCh37 (hg19) VCF-style: chr16-23646301-TG-T.
Other names: c.1565delC (NM_024675.3); short protein forms P522fs.
Identifiers: ClinVar variation 460901 (VCV000460901.10), dbSNP rs1555461217, ClinGen allele CA645583278.
Genomic context (GRCh38, chr16:23,634,980, plus strand): 5'-GGACCTGTTAACAATCGACAGGCTAGAAGTTGGCAAAAGTGGTTCACAATGATCTGATGC[TG>T]GGGTGCAGGCTGATTTTCTTTTTCCTGTGTATCTTCTACCAGGTGCTTGGGCAACTGCCT-3'